The following is an entry in ClinVar:

ClinVar aggregate classification (germline): Uncertain significance (1 of 4 stars; one submission).

Conditions:
Autosomal recessive limb-girdle muscular dystrophy type 2Q (LGMDR17). Also called: MUSCULAR DYSTROPHY, LIMB-GIRDLE, AUTOSOMAL RECESSIVE 17. Identifiers: Orphanet 254361, MedGen C3150989, MONDO:0013390, OMIM 613723.
Epidermolysis bullosa simplex 5B, with muscular dystrophy (EBS5B). Also called: EPIDERMOLYSIS BULLOSA SIMPLEX AND LIMB-GIRDLE MUSCULAR DYSTROPHY; Epidermolysis bullosa simplex with muscular dystrophy. Identifiers: Orphanet 257, MedGen C2931072, MONDO:0009181, OMIM 226670.
Epidermolysis bullosa simplex, Ogna type (EBS5A). Also called: Pidermolysis bullosa simplex 5A, Ogna type; EPIDERMOLYSIS BULLOSA SIMPLEX 5A, OGNA TYPE. Identifiers: Orphanet 79401, MedGen C0432317, MONDO:0007555, OMIM 131950.
Epidermolysis bullosa simplex with nail dystrophy (EBS5D). Identifiers: MedGen C4225309, MONDO:0014661, OMIM 616487.
Epidermolysis bullosa simplex 5C, with pyloric atresia (EBS5C). Also called: Epidermolysis bullosa simplex with pyloric atresia; PLEC1-Related Epidermolysis Bullosa with Pyloric Atresia; PLEC-Related Epidermolysis Bullosa with Pyloric Atresia. Identifiers: Orphanet 158684, MedGen C2677349, MONDO:0012807, OMIM 612138.

Allele frequency attached by ClinVar (database versions not stated): gnomAD exomes 0.00001 and 0.00002; TOPMed 0.00001; ExAC 0.00003.
gnomAD v4.1: 6 of 1,612,826 alleles (0.00037%); highest among the groups gnomAD compares: Admixed American, 0.0083%; no homozygotes.

Submission:

Labcorp Genetics (formerly Invitae), Labcorp
Classification: Uncertain significance for Autosomal recessive limb-girdle muscular dystrophy type 2Q; Epidermolysis bullosa simplex, Ogna type; Epidermolysis bullosa simplex with nail dystrophy; Epidermolysis bullosa simplex 5C, with pyloric atresia; Epidermolysis bullosa simplex 5B, with muscular dystrophy. Last evaluated: 2022-08-12. Review status: criteria provided, single submitter. Criteria: Invitae Variant Classification Sherloc (09022015). Collection method: clinical testing. Allele origin: germline.
Comment: This sequence change replaces alanine, which is neutral and non-polar, with valine, which is neutral and non-polar, at codon 3747 of the PLEC protein (p.Ala3747Val). This variant is present in population databases (rs782795280, gnomAD 0.009%). In summary, the available evidence is currently insufficient to determine the role of this variant in disease. Therefore, it has been classified as a Variant of Uncertain Significance. Algorithms developed to predict the effect of missense changes on protein structure and function are either unavailable or do not agree on the potential impact of this missense change (SIFT: "Deleterious"; PolyPhen-2: "Probably Damaging"; Align-GVGD: "Class C15"). ClinVar contains an entry for this variant (Variation ID: 1477084). This variant has not been reported in the literature in individuals affected with PLEC-related conditions.

NM_201384.3(PLEC):c.11159C>T (p.Ala3720Val)

Gene: PLEC (plectin; minus strand). Cytogenetic location: 8q24.3.
Variant type: single nucleotide variant.
Coding change: c.11159C>T on transcript NM_201384.3 (MANE Select); coding-DNA position 11159, C replaced by T.
Protein change: p.Ala3720Val; replaces alanine 3720 with valine.
Molecular consequence: missense variant.
Genome position (GRCh38, 1-based): chr8:143,918,662, G>A on the plus strand (C>T on the coding strand, the complement: PLEC is on the minus strand). VCF-style: chr8-143918662-G-A. GRCh37 (hg19) VCF-style: chr8-144992830-G-A.
Other names: c.11240C>T, p.Ala3747Val (NM_000445.5); c.11117C>T, p.Ala3706Val (NM_201378.4); c.11093C>T, p.Ala3698Val (NM_201379.3); c.11570C>T, p.Ala3857Val (NM_201380.4); c.11063C>T, p.Ala3688Val (NM_201381.3); c.11159C>T, p.Ala3720Val (NM_201382.4); c.11171C>T, p.Ala3724Val (NM_201383.3); short protein forms A3698V, A3724V, A3747V, A3720V, A3688V, A3706V, A3857V.
Identifiers: ClinVar variation 1477084 (VCV001477084.6), dbSNP rs782795280, ClinGen allele CA4924419.